The following is an entry in ClinVar:

NM_001009944.3(PKD1):c.4609G>T (p.Glu1537Ter)

Gene: PKD1 (polycystin 1, transient receptor potential channel interacting; minus strand). Cytogenetic location: 16p13.3.
Variant type: single nucleotide variant.
Coding change: c.4609G>T on transcript NM_001009944.3 (MANE Select); coding-DNA position 4609, G replaced by T.
Protein change: p.Glu1537Ter; replaces glutamic acid 1537 with a stop codon.
Molecular consequence: nonsense.
Genome position (GRCh38, 1-based): chr16:2,110,558, C>A on the plus strand (G>T on the coding strand, the complement: PKD1 is on the minus strand). VCF-style: chr16-2110558-C-A. GRCh37 (hg19) VCF-style: chr16-2160559-C-A.
Other names: c.4609G>T, p.Glu1537Ter (NM_000296.4); short protein forms E1537*.
Identifiers: ClinVar variation 4796554 (VCV004796554.1).

ClinVar aggregate classification (germline): Pathogenic (1 of 4 stars; one submission).

Conditions:
Polycystic kidney disease, adult type (PKD1). Also called: Polycystic Kidney, Autosomal Dominant; POLYCYSTIC KIDNEY DISEASE, ADULT, TYPE I; Polycystic Kidney Disease 1, Autosomal Dominant; Polycystic kidney disease 1; Polycystic kidney disease 1, severe; POLYCYSTIC KIDNEY DISEASE 1 WITH OR WITHOUT POLYCYSTIC LIVER DISEASE. Identifiers: MedGen C3149841, MONDO:0008263, OMIM 173900.

Submission:

Juno Genomics, Hangzhou Juno Genomics, Inc
Classification: Pathogenic for Polycystic kidney disease, adult type. Review status: criteria provided, single submitter. Criteria: ACMG Guidelines, 2015. Collection method: clinical testing. Allele origin: germline. Affected: yes.
Comment: Absent from controls (or at extremely low frequency if recessive) in Genome Aggregation Database, Exome Sequencing Project, 1000 Genomes Project, or Exome Aggregation Consortium.;Null variant in a gene where loss of function (LOF) is a known mechanism of disease.;The prevalence of the variant in affected individuals is significantly increased compared to the prevalence in controls.;Patient's phenotype or family history is highly specific for a disease with a single genetic etiology.